The following is an entry in ClinVar:

NM_001267550.2(TTN):c.56755T>C (p.Tyr18919His)

Genes: TTN (titin; minus strand), TTN-AS1 (TTN antisense RNA 1; plus strand). Cytogenetic location: 2q31.2.
Variant type: single nucleotide variant.
Coding change: c.56755T>C on transcript NM_001267550.2 (MANE Select); coding-DNA position 56755, T replaced by C.
Protein change: p.Tyr18919His; replaces tyrosine 18919 with histidine.
Molecular consequence: missense variant.
Genome position (GRCh38, 1-based): chr2:178,598,955, A>G on the plus strand (T>C on the coding strand, the complement: TTN is on the minus strand). VCF-style: chr2-178598955-A-G. GRCh37 (hg19) VCF-style: chr2-179463682-A-G.
Other names: c.51832T>C, p.Tyr17278His (NM_001256850.1); c.29560T>C, p.Tyr9854His (NM_003319.4); c.49051T>C, p.Tyr16351His (NM_133378.4); c.29935T>C, p.Tyr9979His (NM_133432.3); c.30136T>C, p.Tyr10046His (NM_133437.4); short protein forms Y16351H, Y18919H, Y9854H, Y10046H, Y9979H, Y17278H.
Identifiers: ClinVar variation 1798104 (VCV001798104.2), dbSNP rs377352660, ClinGen allele CA349527247.

ClinVar aggregate classification (germline): Uncertain significance (1 of 4 stars; one submission).

Conditions:
Cardiovascular phenotype. Identifiers: MedGen CN230736.

Submission:

Ambry Genetics
Classification: Uncertain significance for Cardiovascular phenotype. Last evaluated: 2018-01-04. Review status: criteria provided, single submitter. Criteria: Ambry Variant Classification Scheme 2023. Collection method: clinical testing. Allele origin: germline.
Comment: The p.Y9854H variant (also known as c.29560T>C), located in coding exon 118 of the TTN gene, results from a T to C substitution at nucleotide position 29560. The tyrosine at codon 9854 is replaced by histidine, an amino acid with similar properties. This amino acid position is highly conserved in available vertebrate species. In addition, the in silico prediction for this alteration is inconclusive. Since supporting evidence is limited at this time, the clinical significance of this alteration remains unclear.